The following is an entry in ClinVar:

NM_006904.7(PRKDC):c.8377C>T (p.Pro2793Ser)

Gene: PRKDC (protein kinase, DNA-activated, catalytic subunit; minus strand). Cytogenetic location: 8q11.21.
Variant type: single nucleotide variant.
Coding change: c.8377C>T on transcript NM_006904.7 (MANE Select); coding-DNA position 8377, C replaced by T.
Protein change: p.Pro2793Ser; replaces proline 2793 with serine.
Molecular consequence: missense variant.
Genome position (GRCh38, 1-based): chr8:47,830,625, G>A on the plus strand (C>T on the coding strand, the complement: PRKDC is on the minus strand). VCF-style: chr8-47830625-G-A. GRCh37 (hg19) VCF-style: chr8-48743186-G-A.
Other names: c.8377C>T, p.Pro2793Ser (NM_001081640.2); short protein forms P2793S.
Identifiers: ClinVar variation 1763129 (VCV001763129.2), dbSNP rs2551866604, ClinGen allele CA371146607.

ClinVar aggregate classification (germline): Uncertain significance (1 of 4 stars; one submission).

Submission:

Ambry Genetics
Classification: Uncertain significance. Last evaluated: 2022-02-14. Review status: criteria provided, single submitter. Criteria: Ambry Variant Classification Scheme 2023. Collection method: clinical testing. Allele origin: germline.
Comment: The p.P2793S variant (also known as c.8377C>T), located in coding exon 61 of the PRKDC gene, results from a C to T substitution at nucleotide position 8377. The proline at codon 2793 is replaced by serine, an amino acid with similar properties. This amino acid position is conserved. In addition, this alteration is predicted to be deleterious by in silico analysis. Since supporting evidence is limited at this time, the clinical significance of this alteration remains unclear.